The following is an entry in ClinVar:

ClinVar aggregate classification (germline): Pathogenic. Review status: criteria provided, multiple submitters, no conflicts (2 of 4 stars). 2 submissions from 2 submitters: Pathogenic (2). Last evaluated 2026-01-19.

Conditions:
Neurofibromatosis, type 1 (NF1). Also called: Neurofibromatosis, type I; VON RECKLINGHAUSEN DISEASE; NEUROFIBROMATOSIS, TYPE I, SOMATIC; Peripheral type neurofibromatosis. Identifiers: Orphanet 636, MedGen C0027831, MONDO:0018975, OMIM 162200. Disease mechanism: loss of function.

Submissions (2):

Labcorp Genetics (formerly Invitae), Labcorp
Classification: Pathogenic for Neurofibromatosis, type 1. Last evaluated: 2026-01-19. Review status: criteria provided, single submitter. Criteria: Invitae Variant Classification Sherloc (09022015). Collection method: clinical testing. Allele origin: germline.
Comment: This sequence change creates a premature translational stop signal (p.Asp1651Glufs*26) in the NF1 gene. It is expected to result in an absent or disrupted protein product. Loss-of-function variants in NF1 are known to be pathogenic (PMID: 10712197, 23913538). This variant is not present in population databases (gnomAD no frequency). This variant has not been reported in the literature in individuals affected with NF1-related conditions. ClinVar contains an entry for this variant (Variation ID: 996502). For these reasons, this variant has been classified as Pathogenic.

Genome Diagnostics Laboratory, The Hospital for Sick Children
Classification: Pathogenic for Neurofibromatosis, type 1. Last evaluated: 2020-10-26. Review status: criteria provided, single submitter. Criteria: ACMG Guidelines, 2015. Collection method: clinical testing. Allele origin: germline. Affected: yes.

Literature cited by the submitters: PubMed 10712197 (cited by Labcorp Genetics (formerly Invitae), Labcorp); PubMed 23913538 (cited by Labcorp Genetics (formerly Invitae), Labcorp).

NM_001042492.3(NF1):c.5016del (p.Asp1672fs)

Gene: NF1 (neurofibromin 1; plus strand). Cytogenetic location: 17q11.2.
Variant type: Deletion.
Coding change: c.5016del on transcript NM_001042492.3 (MANE Select); coding-DNA position 5016, one base deleted (C; older notation c.5016delC).
Protein change: p.Asp1672fs; shifts the reading frame from aspartic acid 1672.
Molecular consequence: frameshift variant.
Genome position (GRCh38, 1-based): chr17:31,326,000, C deleted. VCF-style (leftmost placement, unchanged base first): chr17-31325999-AC-A. GRCh37 (hg19) VCF-style: chr17-29653017-AC-A.
Other names: c.4953delC (NM_000267.3); c.4953delC, p.Asp1651Glufs (NM_000267.4); short protein forms D1651fs, D1672fs.
Identifiers: ClinVar variation 996502 (VCV000996502.4), dbSNP rs2069330719, ClinGen allele CA2255615509.
Genomic context (GRCh38, chr17:31,325,999, plus strand): 5'-ATCGCTTTAAAACAGACTTTCTCTCTAAGTGGTTTGTTGTTTTTCCTGGCTTTGCTTACG[AC>A]AACGTCTCCGCAGTCTATATCTATAACTGTAACTCCTGGGTCAGGGAGTACACCAAGTAT-3'